The following is an entry in ClinVar:

NM_017617.5(NOTCH1):c.1556-9C>T

Gene: NOTCH1 (notch receptor 1; minus strand). Cytogenetic location: 9q34.3.
Variant type: single nucleotide variant.
Coding change: c.1556-9C>T on transcript NM_017617.5 (MANE Select); 9 bases into the intron before coding-DNA position 1556, C replaced by T.
Molecular consequence: intron variant.
Genome position (GRCh38, 1-based): chr9:136,516,103, G>A on the plus strand (C>T on the coding strand, the complement: NOTCH1 is on the minus strand). VCF-style: chr9-136516103-G-A. GRCh37 (hg19) VCF-style: chr9-139410555-G-A.
Other names: c.1556-9C>T (LRG_1122t1, NM_017617.4).
Identifiers: ClinVar variation 477879 (VCV000477879.18), dbSNP rs150834418, ClinGen allele CA5341716.

ClinVar aggregate classification (germline): Benign/Likely benign. Review status: criteria provided, multiple submitters, no conflicts (2 of 4 stars). 7 submissions from 6 submitters: Benign (4); Likely benign (2). 1 of the submissions does not count toward it. Last evaluated 2025-12-22.

Conditions:
NOTCH1-related disorder. Also called: NOTCH1-related condition; NOTCH1-related disorders.
Aortic valve disease 1 (AOVD1). Identifiers: MedGen C3887892, MONDO:0024523, OMIM 109730.
Adams-Oliver syndrome 5 (AOS5). Identifiers: Orphanet 974, MedGen C4014970, MONDO:0014459, OMIM 616028.

Allele frequency attached by ClinVar (database versions not stated): gnomAD 0.00017 and 0.00019; gnomAD exomes 0.00023 and 0.00025; ESP Exome Variant Server 0.00024; ExAC 0.00028; TOPMed 0.00033; 1000 Genomes Project 0.00120; 1000 Genomes Project 30x 0.00125.
gnomAD v4.1: 339 of 1,553,206 alleles (0.022%); highest among the groups gnomAD compares: East Asian, 0.12%; no homozygotes.

Submissions (7):

Labcorp Genetics (formerly Invitae), Labcorp
Classification: Benign for Adams-Oliver syndrome 5. Last evaluated: 2025-12-22. Review status: criteria provided, single submitter. Criteria: Invitae Variant Classification Sherloc (09022015). Collection method: clinical testing. Allele origin: germline.

Women's Health and Genetics/Laboratory Corporation of America, LabCorp
Classification: Benign. Last evaluated: 2025-07-11. Review status: criteria provided, single submitter. Criteria: LabCorp Variant Classification Summary - May 2015. Collection method: clinical testing. Allele origin: germline.

Blueprint Genetics
Classification: Likely benign. Last evaluated: 2024-09-27. Review status: criteria provided, single submitter. Criteria: ACMG Guidelines, 2015. Collection method: clinical testing. Allele origin: germline.

Genome-Nilou Lab
Classification: Benign for Adams-Oliver syndrome 5. Last evaluated: 2022-03-15. Review status: criteria provided, single submitter. Criteria: ACMG Guidelines, 2015. Collection method: clinical testing. Allele origin: germline. Affected: no.

Genome-Nilou Lab
Classification: Benign for Aortic valve disease 1. Last evaluated: 2022-03-15. Review status: criteria provided, single submitter. Criteria: ACMG Guidelines, 2015. Collection method: clinical testing. Allele origin: germline. Affected: no.

GeneDx
Classification: Likely benign. Last evaluated: 2019-05-31. Review status: criteria provided, single submitter. Criteria: GeneDx Variant Classification Process June 2021. Collection method: clinical testing. Allele origin: germline. Affected: yes.

PreventionGenetics, part of Exact Sciences
Classification: Likely benign for NOTCH1-related condition. Last evaluated: 2019-03-11. Review status: no assertion criteria provided. Collection method: clinical testing. Allele origin: germline. Not counted in ClinVar's aggregate classification.
Comment: This variant is classified as likely benign based on ACMG/AMP sequence variant interpretation guidelines (Richards et al. 2015 PMID: 25741868, with internal and published modifications).

Literature cited by the submitters: PubMed 16614245 (cited by Women's Health and Genetics/Laboratory Corporation of America, LabCorp); PubMed 19635999 (cited by Women's Health and Genetics/Laboratory Corporation of America, LabCorp); PubMed 19245433 (cited by Women's Health and Genetics/Laboratory Corporation of America, LabCorp); PubMed 22858860 (cited by Women's Health and Genetics/Laboratory Corporation of America, LabCorp).